The following is an entry in ClinVar:

ClinVar aggregate classification (germline): Benign/Likely benign. Review status: criteria provided, multiple submitters, no conflicts (2 of 4 stars). 3 submissions from 3 submitters: Benign (1); Likely benign (2). Last evaluated 2026-02-02.

Conditions:
Autosomal recessive limb-girdle muscular dystrophy type 2J (LGMDR10). Also called: MUSCULAR DYSTROPHY, LIMB-GIRDLE, AUTOSOMAL RECESSIVE 10; Limb-girdle muscular dystrophy, type 2J. Identifiers: Orphanet 140922, MedGen C1837342, MONDO:0012127, OMIM 608807.
Dilated cardiomyopathy 1G (CMD1G). Identifiers: Orphanet 154, MedGen C1858763, MONDO:0011400, OMIM 604145.

Allele frequency attached by ClinVar (database versions not stated): gnomAD 0.00006 and 0.00007; TOPMed 0.00006; gnomAD exomes 0.00007; ExAC 0.00024.
gnomAD v4.1: 187 of 1,455,272 alleles (0.013%); highest among the groups gnomAD compares: Non-Finnish European, 0.016%; no homozygotes.

Submissions (3):

Labcorp Genetics (formerly Invitae), Labcorp
Classification: Likely benign for Dilated cardiomyopathy 1G; Autosomal recessive limb-girdle muscular dystrophy type 2J. Last evaluated: 2026-02-02. Review status: criteria provided, single submitter. Criteria: Invitae Variant Classification Sherloc (09022015). Collection method: clinical testing. Allele origin: germline.

Blueprint Genetics
Classification: Likely benign. Last evaluated: 2024-11-14. Review status: criteria provided, single submitter. Criteria: ACMG Guidelines, 2015. Collection method: clinical testing. Allele origin: germline.

GeneDx
Classification: Benign. Last evaluated: 2015-04-20. Review status: criteria provided, single submitter. Criteria: GeneDx Variant Classification (06012015). Collection method: clinical testing. Allele origin: germline. Affected: yes.
Comment: This variant is considered likely benign or benign based on one or more of the following criteria: it is a conservative change, it occurs at a poorly conserved position in the protein, it is predicted to be benign by multiple in silico algorithms, and/or has population frequency not consistent with disease.

NM_001267550.2(TTN):c.20836+18C>T

Gene: TTN (titin; minus strand). Cytogenetic location: 2q31.2.
Variant type: single nucleotide variant.
Coding change: c.20836+18C>T on transcript NM_001267550.2 (MANE Select); 18 bases into the intron after coding-DNA position 20836, C replaced by T.
Molecular consequence: intron variant.
Genome position (GRCh38, 1-based): chr2:178,725,350, G>A on the plus strand (C>T on the coding strand, the complement: TTN is on the minus strand). VCF-style: chr2-178725350-G-A. GRCh37 (hg19) VCF-style: chr2-179590077-G-A.
Other names: c.19885+18C>T (NM_001256850.1); c.13282+12732C>T (NM_003319.4); c.13858+12732C>T (NM_133437.4); c.13657+12732C>T (NM_133432.3); c.17104+18C>T (NM_133378.4).
Identifiers: ClinVar variation 378807 (VCV000378807.10), dbSNP rs759032534, ClinGen allele CA2001146.